The following is an entry in ClinVar:

NM_006648.4(WNK2):c.2576T>G (p.Val859Gly)

Gene: WNK2 (WNK lysine deficient protein kinase 2; plus strand). Cytogenetic location: 9q22.31.
Variant type: single nucleotide variant.
Coding change: c.2576T>G on transcript NM_006648.4 (MANE Select); coding-DNA position 2576, T replaced by G.
Protein change: p.Val859Gly; replaces valine 859 with glycine.
Molecular consequence: missense variant.
Genome position (GRCh38, 1-based): chr9:93,259,124, T>G. VCF-style: chr9-93259124-T-G. GRCh37 (hg19) VCF-style: chr9-96021406-T-G.
Other names: c.2576T>G, p.Val859Gly (NM_001282394.3); short protein forms V859G.
Identifiers: ClinVar variation 4866557 (VCV004866557.1).

ClinVar aggregate classification (germline): Uncertain significance (1 of 4 stars; one submission).

Submission:

Ambry Genetics
Classification: Uncertain significance. Last evaluated: 2026-03-31. Review status: criteria provided, single submitter. Criteria: Ambry Variant Classification Scheme 2023. Collection method: clinical testing. Allele origin: germline.
Comment: The p.V859G variant (also known as c.2576T>G), located in coding exon 11 of the WNK2 gene, results from a T to G substitution at nucleotide position 2576. The valine at codon 859 is replaced by glycine, an amino acid with dissimilar properties. This amino acid position is conserved. In addition, this alteration is predicted to be deleterious by in silico analysis. Based on the available evidence, the clinical significance of this variant remains unclear.